The following is an entry in ClinVar:

NM_000219.6(KCNE1):c.240C>T (p.Val80=)

Gene: KCNE1 (potassium voltage-gated channel subfamily E regulatory subunit 1; minus strand). Cytogenetic location: 21q22.12.
Variant type: single nucleotide variant.
Coding change: c.240C>T on transcript NM_000219.6 (MANE Select); coding-DNA position 240, C replaced by T.
Protein change: p.Val80=; no amino-acid change (valine 80 retained).
Molecular consequence: synonymous variant.
Genome position (GRCh38, 1-based): chr21:34,449,395, G>A on the plus strand (C>T on the coding strand, the complement: KCNE1 is on the minus strand). VCF-style: chr21-34449395-G-A. GRCh37 (hg19) VCF-style: chr21-35821693-G-A.
Other names: c.240C>T, p.Val80= (NM_001127668.4, NM_001127669.4, NM_001127670.4 and 4 more transcripts).
Identifiers: ClinVar variation 3374414 (VCV003374414.2).

Conditions:
Long QT syndrome 5 (LQT5). Identifiers: Orphanet 101016, Orphanet 768, MedGen C1867904, MONDO:0013372, OMIM 613695.

Submission:

Roden Lab, Vanderbilt University Medical Center
No classification provided (evidence only). Condition: Long QT syndrome 5. Review status: no classification provided. Collection method: in vitro. Allele origin: not applicable. Functional consequence: Effect on ion channel function.
ClinVar note: "not provided" was previously submitted as the classification for the variant. However, the classification appeared to be based only on an observation of functional data so it was converted to no classification on 2025-07-30.